The following is an entry in ClinVar:

NM_170606.3(KMT2C):c.372T>C (p.Gly124=)

Gene: KMT2C (lysine methyltransferase 2C; minus strand). Cytogenetic location: 7q36.1.
Variant type: single nucleotide variant.
Coding change: c.372T>C on transcript NM_170606.3 (MANE Select); coding-DNA position 372, T replaced by C.
Protein change: p.Gly124=; no amino-acid change (glycine 124 retained).
Molecular consequence: synonymous variant.
Genome position (GRCh38, 1-based): chr7:152,330,618, A>G on the plus strand (T>C on the coding strand, the complement: KMT2C is on the minus strand). VCF-style: chr7-152330618-A-G. GRCh37 (hg19) VCF-style: chr7-152027703-A-G.
Identifiers: ClinVar variation 4874742 (VCV004874742.2).

ClinVar aggregate classification (germline): Likely benign (1 of 4 stars; one submission).

Submission:

CeGaT Center for Human Genetics Tuebingen
Classification: Likely benign. Last evaluated: 2026-04-01. Review status: criteria provided, single submitter. Criteria: CeGaT Center For Human Genetics Tuebingen Variant Classification Criteria Version 2. Collection method: clinical testing. Allele origin: germline. Affected: yes. Observed: 1 variant allele.
Comment: KMT2C: PM2:Supporting, BP4, BP7